The following is an entry in ClinVar:

ClinVar aggregate classification (germline): Uncertain significance. Review status: criteria provided, multiple submitters, no conflicts (2 of 4 stars). 6 submissions from 6 submitters: Uncertain significance (6). Last evaluated 2026-07-03.

Conditions:
PRSS1-related disorder. Also called: PRSS1-related condition.
Hereditary pancreatitis (PCTT). Also called: PRSS1-Related Hereditary Pancreatitis; Hereditary chronic pancreatitis. Identifiers: Orphanet 676, MedGen C0238339, MONDO:0008185, OMIM 167800.

Allele frequency attached by ClinVar (database versions not stated): gnomAD below 0.00001; 1000 Genomes Project 30x 0.00062.

Submissions (6):

PreventionGenetics, part of Exact Sciences
Classification: Uncertain significance for PRSS1-related condition. Last evaluated: 2026-07-03. Review status: criteria provided, single submitter. Criteria: ACMG Guidelines, 2015. Collection method: clinical testing. Allele origin: germline.
Comment: The PRSS1 c.50C>T variant is predicted to result in the amino acid substitution p.Pro17Leu. To our knowledge, this variant has not been reported in the literature or in a large population database (gnomAD), indicating this variant is rare. An alternate missense change at the same amino acid position (p.Pro17Thr) has been reported as a de novo finding in an individual with chronic pancreatitis however, a maternally inherited SPINK1 variant was also detected in this individual (Németh et al. 2017. PubMed ID: 29215622). At this time, the clinical significance of this variant is uncertain due to the absence of conclusive functional and genetic evidence.

Labcorp Genetics (formerly Invitae), Labcorp
Classification: Uncertain significance for Hereditary pancreatitis. Last evaluated: 2025-12-26. Review status: criteria provided, single submitter. Criteria: Invitae Variant Classification Sherloc (09022015). Collection method: clinical testing. Allele origin: germline.
Comment: This sequence change replaces proline, which is neutral and non-polar, with leucine, which is neutral and non-polar, at codon 17 of the PRSS1 protein (p.Pro17Leu). This variant is not present in population databases (gnomAD no frequency). This variant has not been reported in the literature in individuals affected with PRSS1-related conditions. ClinVar contains an entry for this variant (Variation ID: 811412). Invitae Evidence Modeling of protein sequence and biophysical properties (such as structural, functional, and spatial information, amino acid conservation, physicochemical variation, residue mobility, and thermodynamic stability) has been performed for this missense variant. However, the output from this modeling did not meet the statistical confidence thresholds required to predict the impact of this variant on PRSS1 protein function. In summary, the available evidence is currently insufficient to determine the role of this variant in disease. Therefore, it has been classified as a Variant of Uncertain Significance.

Ambry Genetics
Classification: Uncertain significance for Hereditary pancreatitis. Last evaluated: 2025-09-14. Review status: criteria provided, single submitter. Criteria: Ambry Variant Classification Scheme 2023. Collection method: clinical testing. Allele origin: germline.
Comment: The p.P17L variant (also known as c.50C>T), located in coding exon 2 of the PRSS1 gene, results from a C to T substitution at nucleotide position 50. The proline at codon 17 is replaced by leucine, an amino acid with similar properties. This amino acid position is not well conserved in available vertebrate species. In addition, the in silico prediction for this alteration is inconclusive. Since supporting evidence is limited at this time, the clinical significance of this alteration remains unclear.

Mayo Clinic Laboratories, Mayo Clinic
Classification: Uncertain significance. Last evaluated: 2025-07-28. Review status: criteria provided, single submitter. Criteria: ACMG Guidelines, 2015. Collection method: clinical testing. Allele origin: germline. Observed: 3 variant alleles.
Comment: PM2_supporting

Women's Health and Genetics/Laboratory Corporation of America, LabCorp
Classification: Uncertain significance. Last evaluated: 2023-02-09. Review status: criteria provided, single submitter. Criteria: LabCorp Variant Classification Summary - May 2015. Collection method: clinical testing. Allele origin: germline.
Comment: Variant summary: PRSS1 c.50C>T (p.Pro17Leu) results in a non-conservative amino acid change in the encoded protein sequence. Five of five in-silico tools predict a damaging effect of the variant on protein function. The variant was absent in 251178 control chromosomes. The available data on variant occurrences in the general population are insufficient to allow any conclusion about variant significance. To our knowledge, no occurrence of c.50C>T in individuals affected with Chronic Pancreatitis Risk and no experimental evidence demonstrating its impact on protein function have been reported. Two clinical diagnostic laboratories have submitted clinical-significance assessments for this variant to ClinVar after 2014 without evidence for independent evaluation. All laboratories classified the variant as uncertain significance. Based on the evidence outlined above, the variant was classified as uncertain significance.

ARUP Laboratories, Molecular Genetics and Genomics, ARUP Laboratories
Classification: Uncertain significance. Last evaluated: 2019-05-02. Review status: criteria provided, single submitter. Criteria: ARUP Molecular Germline Variant Investigation Process. Collection method: clinical testing. Allele origin: germline.
Comment: The PRSS1 c.50C>T; p.Pro17Leu variant, to our knowledge, is not reported in the medical literature or gene specific databases. This variant is also absent from general population databases (Exome Variant Server, Genome Aggregation Database), indicating it is not a common polymorphism. The proline at codon 17 is highly conserved, and computational analyses (SIFT, PolyPhen-2) predict that this variant is deleterious. Additionally, another variant at this codon (c.49C>T; p.Pro17Thr) has been reported in at least one individual with chronic pancreatitis, who also carried the pathogenic SPINK1 p.Asn34Ser variant, and is considered pathogenic (Nemeth 2017). However, given the lack of clinical and functional data, the significance of the c.50C>T; p.Pro17Leu variant is uncertain at this time. References: Nemeth BC et al. Novel PRSS1 Mutation p.P17T Validates Pathogenic Relevance of CTRC-Mediated Processing of the Trypsinogen Activation Peptide in Chronic Pancreatitis. Am J Gastroenterol. 2017 Dec;112(12):1896-1898.

Literature cited by the submitters: PubMed 29215622 (cited by Mayo Clinic Laboratories, Mayo Clinic).

NM_002769.5(PRSS1):c.50C>T (p.Pro17Leu)

Genes: TRB (T cell receptor beta locus; plus strand), PRSS1 (serine protease 1; plus strand). Cytogenetic location: 7q34.
Variant type: single nucleotide variant.
Coding change: c.50C>T on transcript NM_002769.5 (MANE Select); coding-DNA position 50, C replaced by T.
Protein change: p.Pro17Leu; replaces proline 17 with leucine.
Molecular consequence: missense variant.
Genome position (GRCh38, 1-based): chr7:142,750,564, C>T. VCF-style: chr7-142750564-C-T. GRCh37 (hg19) VCF-style: chr7-142458415-C-T.
Other names: p.Pro17Leu; short protein forms P17L.
Identifiers: ClinVar variation 811412 (VCV000811412.22), dbSNP rs776401461, ClinGen allele CA369607035.